The following is an entry in ClinVar:

ClinVar aggregate classification (germline): Uncertain significance (1 of 4 stars; one submission).

gnomAD v4.1: 5 of 1,154,862 alleles (0.00043%); highest among the groups gnomAD compares: Non-Finnish European, 0.00043%; no homozygotes.

Submission:

Labcorp Genetics (formerly Invitae), Labcorp
Classification: Uncertain significance. Last evaluated: 2025-12-02. Review status: criteria provided, single submitter. Criteria: Invitae Variant Classification Sherloc (09022015). Collection method: clinical testing. Allele origin: germline.
Comment: This sequence change replaces proline, which is neutral and non-polar, with serine, which is neutral and polar, at codon 44 of the KMT2A protein (p.Pro44Ser). The frequency data for this variant in the population databases is considered unreliable, as metrics indicate insufficient coverage at this position in the gnomAD database. This variant has not been reported in the literature in individuals affected with KMT2A-related conditions. ClinVar contains an entry for this variant (Variation ID: 1955863). Invitae Evidence Modeling of protein sequence and biophysical properties (such as structural, functional, and spatial information, amino acid conservation, physicochemical variation, residue mobility, and thermodynamic stability) has been performed for this missense variant. However, the output from this modeling did not meet the statistical confidence thresholds required to predict the impact of this variant on KMT2A protein function. In summary, the available evidence is currently insufficient to determine the role of this variant in disease. Therefore, it has been classified as a Variant of Uncertain Significance.

NM_001197104.2(KMT2A):c.130C>T (p.Pro44Ser)

Gene: KMT2A (lysine methyltransferase 2A; plus strand). Cytogenetic location: 11q23.3.
Variant type: single nucleotide variant.
Coding change: c.130C>T on transcript NM_001197104.2 (MANE Select); coding-DNA position 130, C replaced by T.
Protein change: p.Pro44Ser; replaces proline 44 with serine.
Molecular consequence: missense variant.
Genome position (GRCh38, 1-based): chr11:118,436,642, C>T. VCF-style: chr11-118436642-C-T. GRCh37 (hg19) VCF-style: chr11-118307357-C-T.
Other names: c.130C>T, p.Pro44Ser (NM_001412597.1, NM_005933.4); short protein forms P44S.
Identifiers: ClinVar variation 1955863 (VCV001955863.5), dbSNP rs1437526128, ClinGen allele CA382797312.